The following is an entry in ClinVar:

NM_000387.6(SLC25A20):c.382A>G (p.Met128Val)

Gene: SLC25A20 (solute carrier family 25 member 20; minus strand). Cytogenetic location: 3p21.31.
Variant type: single nucleotide variant.
Coding change: c.382A>G on transcript NM_000387.6 (MANE Select); coding-DNA position 382, A replaced by G.
Protein change: p.Met128Val; replaces methionine 128 with valine.
Molecular consequence: missense variant.
Genome position (GRCh38, 1-based): chr3:48,879,393, T>C on the plus strand (A>G on the coding strand, the complement: SLC25A20 is on the minus strand). VCF-style: chr3-48879393-T-C. GRCh37 (hg19) VCF-style: chr3-48916826-T-C.
Other names: short protein forms M128V.
Identifiers: ClinVar variation 4708481 (VCV004708481.1).

ClinVar aggregate classification (germline): Uncertain significance (1 of 4 stars; one submission).

Conditions:
Carnitine acylcarnitine translocase deficiency (CACTD). Identifiers: Orphanet 159, MedGen C0342791, MONDO:0008918, OMIM 212138.

Submission:

Labcorp Genetics (formerly Invitae), Labcorp
Classification: Uncertain significance for Carnitine acylcarnitine translocase deficiency. Last evaluated: 2025-11-02. Review status: criteria provided, single submitter. Criteria: Invitae Variant Classification Sherloc (09022015). Collection method: clinical testing. Allele origin: germline.
Comment: This sequence change replaces methionine, which is neutral and non-polar, with valine, which is neutral and non-polar, at codon 128 of the SLC25A20 protein (p.Met128Val). This variant is present in population databases (no rsID available, gnomAD 0.003%). This variant has not been reported in the literature in individuals affected with SLC25A20-related conditions. Invitae Evidence Modeling of protein sequence and biophysical properties (such as structural, functional, and spatial information, amino acid conservation, physicochemical variation, residue mobility, and thermodynamic stability) indicates that this missense variant is not expected to disrupt SLC25A20 protein function with a negative predictive value of 80%. In summary, the available evidence is currently insufficient to determine the role of this variant in disease. Therefore, it has been classified as a Variant of Uncertain Significance.